The following is an entry in ClinVar:

ClinVar aggregate classification (germline): Uncertain significance (1 of 4 stars; one submission).

Conditions:
Neuroblastoma, susceptibility to, 3. Also called: ALK-Related Neuroblastic Tumor Susceptibility. Identifiers: Orphanet 635, MedGen C2751681, MONDO:0013083, OMIM 613014.

Submission:

Labcorp Genetics (formerly Invitae), Labcorp
Classification: Uncertain significance for Neuroblastoma, susceptibility to, 3. Last evaluated: 2021-02-10. Review status: criteria provided, single submitter. Criteria: Invitae Variant Classification Sherloc (09022015). Collection method: clinical testing. Allele origin: germline.
Comment: This sequence change affects codon 825 of the ALK mRNA. It is a 'silent' change, meaning that it does not change the encoded amino acid sequence of the ALK protein. This variant is not present in population databases (ExAC no frequency). This variant has not been reported in the literature in individuals with ALK-related conditions. Algorithms developed to predict the effect of sequence changes on RNA splicing suggest that this variant may create or strengthen a splice site, but this prediction has not been confirmed by published transcriptional studies. In summary, the available evidence is currently insufficient to determine the role of this variant in disease. Therefore, it has been classified as a Variant of Uncertain Significance.

NM_004304.5(ALK):c.2475C>G (p.Thr825=)

Gene: ALK (ALK receptor tyrosine kinase; minus strand). Cytogenetic location: 2p23.2.
Variant type: single nucleotide variant.
Coding change: c.2475C>G on transcript NM_004304.5 (MANE Select); coding-DNA position 2475, C replaced by G.
Protein change: p.Thr825=; no amino-acid change (threonine 825 retained).
Molecular consequence: synonymous variant.
Genome position (GRCh38, 1-based): chr2:29,233,577, G>C on the plus strand (C>G on the coding strand, the complement: ALK is on the minus strand). VCF-style: chr2-29233577-G-C. GRCh37 (hg19) VCF-style: chr2-29456443-G-C.
Identifiers: ClinVar variation 1522747 (VCV001522747.8), dbSNP rs2148184433, ClinGen allele CA425436769.